The following is an entry in ClinVar:

ClinVar aggregate classification (germline): Uncertain significance. Review status: criteria provided, multiple submitters, no conflicts (2 of 4 stars). 2 submissions from 2 submitters: Uncertain significance (2). Last evaluated 2025-03-18.

Conditions:
Inborn genetic diseases. Identifiers: MedGen C0950123, MeSH D030342.
Charcot-Marie-Tooth disease type 2. Also called: Charcot-Marie-Tooth type 2. Identifiers: Orphanet 64746, MedGen C0270914, MONDO:0018993.

Allele frequency attached by ClinVar (database versions not stated): gnomAD exomes below 0.00001; TOPMed below 0.00001.
gnomAD v4.1: 4 of 1,611,896 alleles (0.00025%); highest among the groups gnomAD compares: Non-Finnish European, 0.00034%; no homozygotes.

Submissions (2):

Ambry Genetics
Classification: Uncertain significance for Inborn genetic diseases. Last evaluated: 2025-03-18. Review status: criteria provided, single submitter. Criteria: Ambry Variant Classification Scheme 2023. Collection method: clinical testing. Allele origin: germline.

Labcorp Genetics (formerly Invitae), Labcorp
Classification: Uncertain significance for Charcot-Marie-Tooth disease type 2. Last evaluated: 2021-09-02. Review status: criteria provided, single submitter. Criteria: Invitae Variant Classification Sherloc (09022015). Collection method: clinical testing. Allele origin: germline.
Comment: This sequence change replaces proline with leucine at codon 618 of the MED25 protein (p.Pro618Leu). The proline residue is moderately conserved and there is a moderate physicochemical difference between proline and leucine. This variant is not present in population databases (ExAC no frequency). This variant has not been reported in the literature in individuals affected with MED25-related conditions. Algorithms developed to predict the effect of missense changes on protein structure and function (SIFT, PolyPhen-2, Align-GVGD) all suggest that this variant is likely to be tolerated. In summary, the available evidence is currently insufficient to determine the role of this variant in disease. Therefore, it has been classified as a Variant of Uncertain Significance.

NM_030973.4(MED25):c.1853C>T (p.Pro618Leu)

Gene: MED25 (mediator complex subunit 25; plus strand). Cytogenetic location: 19q13.33.
Variant type: single nucleotide variant.
Coding change: c.1853C>T on transcript NM_030973.4 (MANE Select); coding-DNA position 1853, C replaced by T.
Protein change: p.Pro618Leu; replaces proline 618 with leucine.
Molecular consequence: missense variant.
Genome position (GRCh38, 1-based): chr19:49,835,833, C>T. VCF-style: chr19-49835833-C-T. GRCh37 (hg19) VCF-style: chr19-50339090-C-T.
Other names: c.1853C>T, p.Pro618Leu (NM_001378355.1); short protein forms P618L.
Identifiers: ClinVar variation 653088 (VCV000653088.7), dbSNP rs1600331387, ClinGen allele CA406920309.
Genomic context (GRCh38, chr19:49,835,833, plus strand): 5'-CCTCTGGGGCCACGGGGCAGCCCCAGCCCCAAGGTACTGCCCAGCCCCCGCCAGGTGCCC[C>T]TCAAGGCCCTCCTGGAGCAGCTTCTGGCCCACCCCCTCCTGGACCCATCCTTCGGCCCCA-3'
Protein context (NP_112235.2, residues 608-628): QGTAQPPPGA[Pro618Leu]QGPPGAASGP